The following is an entry in ClinVar:

NM_014989.7(RIMS1):c.3195C>T (p.Ser1065=)

Gene: RIMS1 (regulating synaptic membrane exocytosis 1; plus strand). Cytogenetic location: 6q13.
Variant type: single nucleotide variant.
Coding change: c.3195C>T on transcript NM_014989.7 (MANE Select); coding-DNA position 3195, C replaced by T.
Protein change: p.Ser1065=; no amino-acid change (serine 1065 retained).
Molecular consequence: synonymous variant. On other transcripts: intron variant (62).
Genome position (GRCh38, 1-based): chr6:72,265,390, C>T. VCF-style: chr6-72265390-C-T. GRCh37 (hg19) VCF-style: chr6-72975093-C-T.
Other names: c.1229+6279C>T (NM_001350468.2); c.1466+4623C>T (NM_001350471.2); c.1571+338C>T (NM_001350470.2); c.1494-570C>T (NM_001168410.2, NM_001350473.2); c.1430+6279C>T (NM_001350474.2); c.1491-570C>T (NM_001350472.2); c.1472+6279C>T (NM_001350440.2, NM_001350444.2, NM_001350423.2 and 2 more transcripts); c.1539-570C>T (NM_001350452.2, NM_001350433.2, NM_001350446.2 and 8 more transcripts); and 14 more.
Identifiers: ClinVar variation 3605744 (VCV003605744.2).
Genomic context (GRCh38, chr6:72,265,390, plus strand): 5'-CTTGTTGATTTTAATTATAATTTATTTTATTTTATTTTTGTGTAATTTTAATTTGTGGAG[C>T]TCAATTCTGCCTGCACATACTAAGACCAAATCAGTGACTAGACAGGACATTTCCCTTCAT-3'
Protein context (NP_055804.2, residues 1055-1075): LQSSSHWNIY[Ser1065=]SILPAHTKTK

ClinVar aggregate classification (germline): Uncertain significance (1 of 4 stars; one submission).

gnomAD v4.1: 20 of 1,521,296 alleles (0.0013%); highest among the groups gnomAD compares: South Asian, 0.023%; no homozygotes.

Submission:

Labcorp Genetics (formerly Invitae), Labcorp
Classification: Uncertain significance. Last evaluated: 2024-03-21. Review status: criteria provided, single submitter. Criteria: Invitae Variant Classification Sherloc (09022015). Collection method: clinical testing. Allele origin: germline.
Comment: This sequence change affects codon 1065 of the RIMS1 mRNA. It is a 'silent' change, meaning that it does not change the encoded amino acid sequence of the RIMS1 protein. It affects a nucleotide within the consensus splice site. This variant is present in population databases (rs764617350, gnomAD 0.03%). This variant has not been reported in the literature in individuals affected with RIMS1-related conditions. Algorithms developed to predict the effect of sequence changes on RNA splicing suggest that this variant is not likely to affect RNA splicing. In summary, the available evidence is currently insufficient to determine the role of this variant in disease. Therefore, it has been classified as a Variant of Uncertain Significance.